The following is an entry in ClinVar:

ClinVar aggregate classification (germline): Likely pathogenic (1 of 4 stars; one submission).

Conditions:
Landau-Kleffner syndrome (FESD). Also called: EPILEPSY, FOCAL, WITH SPEECH DISORDER AND WITH OR WITHOUT MENTAL RETARDATION; APHASIA, ACQUIRED, WITH EPILEPSY. Identifiers: Orphanet 1945, Orphanet 725, Orphanet 98818, MedGen C0282512, MONDO:0009509, OMIM 245570.

Submission:

Labcorp Genetics (formerly Invitae), Labcorp
Classification: Likely pathogenic for Landau-Kleffner syndrome. Last evaluated: 2022-05-16. Review status: criteria provided, single submitter. Criteria: Invitae Variant Classification Sherloc (09022015). Collection method: clinical testing. Allele origin: germline.
Comment: In summary, the currently available evidence indicates that the variant is pathogenic, but additional data are needed to prove that conclusively. Therefore, this variant has been classified as Likely Pathogenic. Algorithms developed to predict the effect of sequence changes on RNA splicing suggest that this variant may disrupt the consensus splice site. This variant has not been reported in the literature in individuals affected with GRIN2A-related conditions. This variant is not present in population databases (gnomAD no frequency). This sequence change affects a donor splice site in intron 12 of the GRIN2A gene. It is expected to disrupt RNA splicing. Variants that disrupt the donor or acceptor splice site typically lead to a loss of protein function (PMID: 16199547), and loss-of-function variants in GRIN2A are known to be pathogenic (PMID: 23933819, 23933820).

Literature cited by the submitters: PubMed 16199547; PubMed 23933819; PubMed 23933820.

NM_001134407.3(GRIN2A):c.2356+1G>T

Gene: GRIN2A (glutamate ionotropic receptor NMDA type subunit 2A; minus strand). Cytogenetic location: 16p13.2.
Variant type: single nucleotide variant.
Coding change: c.2356+1G>T on transcript NM_001134407.3 (MANE Select); the canonical splice donor site of the intron after coding-DNA position 2356, G replaced by T.
Molecular consequence: splice donor variant.
Genome position (GRCh38, 1-based): chr16:9,798,276, C>A on the plus strand (G>T on the coding strand, the complement: GRIN2A is on the minus strand). VCF-style: chr16-9798276-C-A. GRCh37 (hg19) VCF-style: chr16-9892133-C-A.
Other names: c.2356+1G>T (NM_001134408.2, NM_000833.5).
Identifiers: ClinVar variation 1506511 (VCV001506511.6), dbSNP rs2141230207, ClinGen allele CA394796927.